The following is an entry in ClinVar:

ClinVar aggregate classification (germline): Uncertain significance. Review status: criteria provided, multiple submitters, no conflicts (2 of 4 stars). 2 submissions from 2 submitters: Uncertain significance (2). Last evaluated 2025-11-26.

Conditions:
Inborn genetic diseases. Identifiers: MedGen C0950123, MeSH D030342.
Acrocallosal syndrome (ACLS). Also called: HALLUX DUPLICATION, POSTAXIAL POLYDACTYLY, AND ABSENCE OF CORPUS CALLOSUM; Schinzel syndrome 1; Absence of corpus callosum with unusual facial appearance, mental deficiency, duplication of the halluces and polydactyly. Identifiers: Orphanet 36, MedGen C0796147, MONDO:0008708, OMIM 200990.

Allele frequency attached by ClinVar (database versions not stated): gnomAD exomes below 0.00001; TOPMed 0.00001.
gnomAD v4.1: 3 of 1,605,188 alleles (0.00019%); highest among the groups gnomAD compares: Non-Finnish European, 0.00017%; no homozygotes.

Submissions (2):

Ambry Genetics
Classification: Uncertain significance for Inborn genetic diseases. Last evaluated: 2025-11-26. Review status: criteria provided, single submitter. Criteria: Ambry Variant Classification Scheme 2023. Collection method: clinical testing. Allele origin: germline.

Labcorp Genetics (formerly Invitae), Labcorp
Classification: Uncertain significance for Acrocallosal syndrome. Last evaluated: 2025-02-03. Review status: criteria provided, single submitter. Criteria: Invitae Variant Classification Sherloc (09022015). Collection method: clinical testing. Allele origin: germline.
Comment: This sequence change replaces serine, which is neutral and polar, with glycine, which is neutral and non-polar, at codon 964 of the KIF7 protein (p.Ser964Gly). This variant is not present in population databases (gnomAD no frequency). This variant has not been reported in the literature in individuals affected with KIF7-related conditions. ClinVar contains an entry for this variant (Variation ID: 2078482). Invitae Evidence Modeling of protein sequence and biophysical properties (such as structural, functional, and spatial information, amino acid conservation, physicochemical variation, residue mobility, and thermodynamic stability) has been performed for this missense variant. However, the output from this modeling did not meet the statistical confidence thresholds required to predict the impact of this variant on KIF7 protein function. In summary, the available evidence is currently insufficient to determine the role of this variant in disease. Therefore, it has been classified as a Variant of Uncertain Significance.

NM_198525.3(KIF7):c.2890A>G (p.Ser964Gly)

Gene: KIF7 (kinesin family member 7; minus strand). Cytogenetic location: 15q26.1.
Variant type: single nucleotide variant.
Coding change: c.2890A>G on transcript NM_198525.3 (MANE Select); coding-DNA position 2890, A replaced by G.
Protein change: p.Ser964Gly; replaces serine 964 with glycine.
Molecular consequence: missense variant.
Genome position (GRCh38, 1-based): chr15:89,632,825, T>C on the plus strand (A>G on the coding strand, the complement: KIF7 is on the minus strand). VCF-style: chr15-89632825-T-C. GRCh37 (hg19) VCF-style: chr15-90176056-T-C.
Other names: c.2890A>G (NM_198525.2); short protein forms S964G.
Identifiers: ClinVar variation 2078482 (VCV002078482.3), dbSNP rs1963709316, ClinGen allele CA393758078.